The following is an entry in ClinVar:

ClinVar aggregate classification (germline): Likely pathogenic (1 of 4 stars; one submission).

Conditions:
Nemaline myopathy 2 (NEM2). Also called: Nemaline myopathy 2, autosomal recessive. Identifiers: MedGen C1850569, MONDO:0009725, OMIM 256030.

Submission:

Labcorp Genetics (formerly Invitae), Labcorp
Classification: Likely pathogenic for Nemaline myopathy 2. Last evaluated: 2022-04-19. Review status: criteria provided, single submitter. Criteria: Invitae Variant Classification Sherloc (09022015). Collection method: clinical testing. Allele origin: germline.
Comment: This sequence change affects a donor splice site in intron 130 of the NEB gene. It is expected to disrupt RNA splicing. Variants that disrupt the donor or acceptor splice site typically lead to a loss of protein function (PMID: 16199547), and loss-of-function variants in NEB are known to be pathogenic (PMID: 25205138). This variant is not present in population databases (gnomAD no frequency). This variant has not been reported in the literature in individuals affected with NEB-related conditions. Algorithms developed to predict the effect of sequence changes on RNA splicing suggest that this variant may disrupt the consensus splice site. In summary, the currently available evidence indicates that the variant is pathogenic, but additional data are needed to prove that conclusively. Therefore, this variant has been classified as Likely Pathogenic.

Literature cited by the submitters: PubMed 16199547; PubMed 25205138.

NM_001164508.2(NEB):c.20049+2T>A

Gene: NEB (nebulin; minus strand). Cytogenetic location: 2q23.3.
Variant type: single nucleotide variant.
Coding change: c.20049+2T>A on transcript NM_001164508.2 (MANE Select); the canonical splice donor site of the intron after coding-DNA position 20049, T replaced by A.
Molecular consequence: splice donor variant.
Genome position (GRCh38, 1-based): chr2:151,549,634, A>T on the plus strand (T>A on the coding strand, the complement: NEB is on the minus strand). VCF-style: chr2-151549634-A-T. GRCh37 (hg19) VCF-style: chr2-152406148-A-T.
Other names: c.14946+2T>A (NM_004543.5); c.20049+2T>A (NM_001164507.2, NM_001271208.2).
Identifiers: ClinVar variation 2127914 (VCV002127914.4), dbSNP rs2552182149, ClinGen allele CA348786394.
Genomic context (GRCh38, chr2:151,549,634, plus strand): 5'-TTAATATGAGTCTCCTGCCACCCCACCTTCAGACCCATCTCAATGAGGAGGAGACCACTC[A>T]CATAACTGCTCATGTAACGGGTGTCCTTGATGTGTTTGAAGTGAGGAGTGTCACCTGGAA-3'